The following is an entry in ClinVar:

NM_000135.4(FANCA):c.163C>G (p.Gln55Glu)

Gene: FANCA (FA complementation group A; minus strand). Cytogenetic location: 16q24.3.
Variant type: single nucleotide variant.
Coding change: c.163C>G on transcript NM_000135.4 (MANE Select); coding-DNA position 163, C replaced by G.
Protein change: p.Gln55Glu; replaces glutamine 55 with glutamic acid.
Molecular consequence: missense variant.
Genome position (GRCh38, 1-based): chr16:89,815,903, G>C on the plus strand (C>G on the coding strand, the complement: FANCA is on the minus strand). VCF-style: chr16-89815903-G-C. GRCh37 (hg19) VCF-style: chr16-89882311-G-C.
Other names: c.163C>G, p.Gln55Glu (NM_001018112.3, NM_001286167.3, NM_001351830.2); short protein forms Q55E.
Identifiers: ClinVar variation 3512624 (VCV003512624.1).
Genomic context (GRCh38, chr16:89,815,903, plus strand): 5'-ATCTGCCCGCAGACGGACACCAGCTTCCTCTTACCTCAAGCAAAAGGGCATTCAGGTCCT[G>C]ATGGCTTCGCAGGAGGCGCACAGCTGATTCCTTTAATTTCTGTGCCCTTTCAGGATTATA-3'
Protein context (NP_000126.2, residues 45-65): ESAVRLLRSH[Gln55Glu]DLNALLLEVE

ClinVar aggregate classification (germline): Uncertain significance (1 of 4 stars; one submission).

Conditions:
Inborn genetic diseases. Identifiers: MedGen C0950123, MeSH D030342.

gnomAD v4.1: 1 of 1,614,072 alleles (0.000062%); highest among the groups gnomAD compares: South Asian, 0.0011%; no homozygotes.

Submission:

Ambry Genetics
Classification: Uncertain significance for Inborn genetic diseases. Last evaluated: 2024-10-17. Review status: criteria provided, single submitter. Criteria: Ambry Variant Classification Scheme 2023. Collection method: clinical testing. Allele origin: germline.
Comment: The p.Q55E variant (also known as c.163C>G), located in coding exon 2 of the FANCA gene, results from a C to G substitution at nucleotide position 163. The glutamine at codon 55 is replaced by glutamic acid, an amino acid with highly similar properties. This amino acid position is conserved. In addition, this alteration is predicted to be tolerated by in silico analysis. Based on the available evidence, the clinical significance of this variant remains unclear.